The following is an entry in ClinVar:

ClinVar aggregate classification (germline): Uncertain significance (1 of 4 stars; one submission).

Conditions:
Familial cancer of breast. Also called: Hereditary breast cancer; hereditary breast carcinoma; BREAST CANCER, FAMILIAL. Identifiers: Orphanet 227535, MedGen C0346153, MONDO:0016419, OMIM 114480. Disease mechanism: loss of function.

Submission:

Labcorp Genetics (formerly Invitae), Labcorp
Classification: Uncertain significance for Familial cancer of breast. Last evaluated: 2024-06-26. Review status: criteria provided, single submitter. Criteria: Invitae Variant Classification Sherloc (09022015). Collection method: clinical testing. Allele origin: germline.
Comment: This sequence change replaces glycine, which is neutral and non-polar, with alanine, which is neutral and non-polar, at codon 386 of the CHEK2 protein (p.Gly386Ala). This variant is not present in population databases (gnomAD no frequency). This variant has not been reported in the literature in individuals affected with CHEK2-related conditions. ClinVar contains an entry for this variant (Variation ID: 1047100). An algorithm developed to predict the effect of missense changes on protein structure and function (PolyPhen-2) suggests that this variant is likely to be disruptive. In summary, the available evidence is currently insufficient to determine the role of this variant in disease. Therefore, it has been classified as a Variant of Uncertain Significance.

NM_007194.4(CHEK2):c.1157G>C (p.Gly386Ala)

Gene: CHEK2 (checkpoint kinase 2; minus strand). Cytogenetic location: 22q12.1.
Variant type: single nucleotide variant.
Coding change: c.1157G>C on transcript NM_007194.4 (MANE Select); coding-DNA position 1157, G replaced by C.
Protein change: p.Gly386Ala; replaces glycine 386 with alanine.
Molecular consequence: missense variant.
Genome position (GRCh38, 1-based): chr22:28,695,812, C>G on the plus strand (G>C on the coding strand, the complement: CHEK2 is on the minus strand). VCF-style: chr22-28695812-C-G. GRCh37 (hg19) VCF-style: chr22-29091800-C-G.
Other names: c.1286G>C, p.Gly429Ala (NM_001005735.3); c.494G>C, p.Gly165Ala (NM_001257387.3); c.956G>C, p.Gly319Ala (NM_001349956.3); c.1070G>C, p.Gly357Ala (NM_145862.3); short protein forms G357A, G165A, G319A, G386A, G429A.
Identifiers: ClinVar variation 1047100 (VCV001047100.10), dbSNP rs1555913820, ClinGen allele CA411096867.